The following is an entry in ClinVar:

ClinVar aggregate classification (germline): Uncertain significance (1 of 4 stars; one submission).

Allele frequency attached by ClinVar (database versions not stated): gnomAD exomes below 0.00001; ExAC 0.00001; TOPMed 0.00001; ESP Exome Variant Server 0.00009.
gnomAD v4.1: 2 of 1,189,204 alleles (0.00017%); highest among the groups gnomAD compares: Non-Finnish European, 0.00023%; no homozygotes.

Submission:

GeneDx
Classification: Uncertain significance. Last evaluated: 2025-03-25. Review status: criteria provided, single submitter. Criteria: GeneDx Variant Classification Process June 2021. Collection method: clinical testing. Allele origin: germline. Affected: yes.
Comment: Not observed in large population cohorts (gnomAD); In silico analysis, which includes protein predictors and evolutionary conservation, supports that this variant does not alter protein structure/function; Has not been previously published as pathogenic or benign to our knowledge

NM_002578.5(PAK3):c.364G>A (p.Val122Ile)

Gene: PAK3 (p21 (RAC1) activated kinase 3; plus strand). Cytogenetic location: Xq23.
Variant type: single nucleotide variant.
Coding change: c.364G>A on transcript NM_002578.5 (MANE Select); coding-DNA position 364, G replaced by A.
Protein change: p.Val122Ile; replaces valine 122 with isoleucine.
Molecular consequence: missense variant. On other transcripts: non-coding transcript variant (2).
Genome position (GRCh38, 1-based): chrX:111,147,824, G>A. VCF-style: chrX-111147824-G-A. GRCh37 (hg19) VCF-style: chrX-110391052-G-A.
Other names: c.364G>A, p.Val122Ile (NM_001128166.3, NM_001128167.3, NM_001324325.2 and 5 more transcripts); c.472G>A, p.Val158Ile (NM_001128168.3); c.427G>A, p.Val143Ile (NM_001128172.2); c.409G>A, p.Val137Ile (NM_001128173.3, NM_001324327.2, NM_001324328.2 and 2 more transcripts); short protein forms V122I, V137I, V143I, V158I.
Identifiers: ClinVar variation 1309808 (VCV001309808.3), dbSNP rs375144673, ClinGen allele CA10492633.